The following is an entry in ClinVar:

NM_014141.6(CNTNAP2):c.274C>T (p.Arg92Trp)

Gene: CNTNAP2 (contactin associated protein 2; plus strand). Cytogenetic location: 7q35.
Variant type: single nucleotide variant.
Coding change: c.274C>T on transcript NM_014141.6 (MANE Select); coding-DNA position 274, C replaced by T.
Protein change: p.Arg92Trp; replaces arginine 92 with tryptophan.
Molecular consequence: missense variant.
Genome position (GRCh38, 1-based): chr7:146,839,776, C>T. VCF-style: chr7-146839776-C-T. GRCh37 (hg19) VCF-style: chr7-146536868-C-T.
Other names: short protein forms R92W.
Identifiers: ClinVar variation 418585 (VCV000418585.11), dbSNP rs747286104, ClinGen allele CA4545739.
Genomic context (GRCh38, chr7:146,839,776, plus strand): 5'-GGGGGATGGTCTCCATCAGACAGCGACCATTATCAATGGCTTCAGGTTGACTTTGGCAAT[C>T]GGAAGCAGATCAGTGCCATTGCAACCCAAGGAAGGTATAGCAGCTCAGATTGGGTGACCC-3'
Protein context (NP_054860.1, residues 82-102): YQWLQVDFGN[Arg92Trp]KQISAIATQG

ClinVar aggregate classification (germline): Uncertain significance. Review status: criteria provided, multiple submitters, no conflicts (2 of 4 stars). 3 submissions from 3 submitters: Uncertain significance (3). Last evaluated 2024-07-13.

Conditions:
Cortical dysplasia-focal epilepsy syndrome (PTHSL1). Also called: Pitt-Hopkins-like syndrome 1. Identifiers: Orphanet 163681, Orphanet 221150, MedGen C2750246, MONDO:0012400, OMIM 610042.

Allele frequency attached by ClinVar (database versions not stated): ExAC 0.00002; gnomAD 0.00004; TOPMed 0.00004.

Submissions (3):

Labcorp Genetics (formerly Invitae), Labcorp
Classification: Uncertain significance for Cortical dysplasia-focal epilepsy syndrome. Last evaluated: 2024-07-13. Review status: criteria provided, single submitter. Criteria: Invitae Variant Classification Sherloc (09022015). Collection method: clinical testing. Allele origin: germline.
Comment: This sequence change replaces arginine, which is basic and polar, with tryptophan, which is neutral and slightly polar, at codon 92 of the CNTNAP2 protein (p.Arg92Trp). This variant is present in population databases (rs747286104, gnomAD 0.004%). This variant has not been reported in the literature in individuals affected with CNTNAP2-related conditions. ClinVar contains an entry for this variant (Variation ID: 418585). An algorithm developed to predict the effect of missense changes on protein structure and function (PolyPhen-2) suggests that this variant is likely to be disruptive. In summary, the available evidence is currently insufficient to determine the role of this variant in disease. Therefore, it has been classified as a Variant of Uncertain Significance.

Blueprint Genetics
Classification: Uncertain significance. Last evaluated: 2024-02-06. Review status: criteria provided, single submitter. Criteria: ACMG Guidelines, 2015. Collection method: clinical testing. Allele origin: germline.

GeneDx
Classification: Uncertain significance. Last evaluated: 2016-09-09. Review status: criteria provided, single submitter. Criteria: GeneDx Variant Classification (06012015). Collection method: clinical testing. Allele origin: germline. Affected: yes.
Comment: A variant of uncertain significance has been identified in the CNTNAP2 gene. The R92W variant has not been published as a pathogenic variant, nor has it been reported as a benign variant to our knowledge. It was not observed in approximately 6,500 individuals of European and African American ancestry in the NHLBI Exome Sequencing Project, indicating it is not a common benign variant in these populations. The R92W variant is a non-conservative amino acid substitution, which is likely to impact secondary protein structure as these residues differ in polarity, charge, size and/or other properties. This substitution occurs at a position that is conserved across species, and in silico analysis predicts this variant is probably damaging to the protein structure/function. Based on the currently available information, it is unclear whether this variant is a pathogenic variant or a rare benign variant.